The following is an entry in ClinVar:

NM_015602.4(TOR1AIP1):c.964+1G>A

Gene: TOR1AIP1 (torsin 1A interacting protein 1; plus strand). Cytogenetic location: 1q25.2.
Variant type: single nucleotide variant.
Coding change: c.964+1G>A on transcript NM_015602.4 (MANE Select); the canonical splice donor site of the intron after coding-DNA position 964, G replaced by A.
Molecular consequence: splice donor variant.
Genome position (GRCh38, 1-based): chr1:179,914,055, G>A. VCF-style: chr1-179914055-G-A. GRCh37 (hg19) VCF-style: chr1-179883190-G-A.
Other names: c.967+1G>A (NM_001267578.2).
Identifiers: ClinVar variation 476292 (VCV000476292.17), dbSNP rs2274955, ClinGen allele CA1269055.

ClinVar aggregate classification (germline): Benign/Likely benign. Review status: criteria provided, multiple submitters, no conflicts (2 of 4 stars). 5 submissions from 5 submitters: Benign (3); Likely benign (2). Last evaluated 2026-02-01.

Conditions:
Autosomal recessive limb-girdle muscular dystrophy type 2Y (MRRSDC). Also called: Muscular dystrophy, limb-girdle, type 2y; Muscular dystrophy, autosomal recessive, with rigid spine and distal joint contractures. Identifiers: Orphanet 424261, MedGen C4511482, MONDO:0014900, OMIM 617072.

Allele frequency attached by ClinVar (database versions not stated): ESP Exome Variant Server 0.00023; TOPMed 0.00323; 1000 Genomes Project 30x 0.01031; 1000 Genomes Project 0.01098.

Submissions 1 to 32 of 67:

Labcorp Genetics (formerly Invitae), Labcorp
Classification: Benign for Autosomal recessive limb-girdle muscular dystrophy type 2Y. Last evaluated: 2026-02-01. Review status: criteria provided, single submitter. Criteria: Invitae Variant Classification Sherloc (09022015). Collection method: clinical testing. Allele origin: germline.

Mayo Clinic Laboratories, Mayo Clinic
Classification: Benign. Last evaluated: 2025-04-01. Review status: criteria provided, single submitter. Criteria: ACMG Guidelines, 2015. Collection method: clinical testing. Allele origin: germline. Observed: 1 variant allele.
Comment: BA1

Genome-Nilou Lab
Classification: Likely benign for Autosomal recessive limb-girdle muscular dystrophy type 2Y. Last evaluated: 2023-04-11. Review status: criteria provided, single submitter. Criteria: ACMG Guidelines, 2015. Collection method: clinical testing. Allele origin: germline. Affected: no.

Fulgent Genetics
Classification: Likely benign for Autosomal recessive limb-girdle muscular dystrophy type 2Y. Last evaluated: 2021-08-20. Review status: criteria provided, single submitter. Criteria: ACMG Guidelines, 2015. Collection method: clinical testing. Allele origin: unknown.

GeneDx
Classification: Benign. Last evaluated: 2018-08-25. Review status: criteria provided, single submitter. Criteria: GeneDx Variant Classification Process June 2021. Collection method: clinical testing. Allele origin: germline. Affected: yes.

Dr. Peter K. Rogan Lab, Western University
No classification provided (evidence only). Condition: Malignant tumor of urinary bladder. Review status: no classification provided. Collection method: in vitro. Allele origin: not applicable. Functional consequence: skipped exon. Not counted in ClinVar's aggregate classification.

Dr. Peter K. Rogan Lab, Western University
No classification provided (evidence only). Condition: Malignant tumor of urinary bladder. Review status: no classification provided. Collection method: in vitro. Allele origin: not applicable. Functional consequence: skipped exon. Not counted in ClinVar's aggregate classification.

Dr. Peter K. Rogan Lab, Western University
No classification provided (evidence only). Condition: Clear cell carcinoma of kidney. Review status: no classification provided. Collection method: in vitro. Allele origin: not applicable. Functional consequence: skipped exon. Not counted in ClinVar's aggregate classification.

Dr. Peter K. Rogan Lab, Western University
No classification provided (evidence only). Condition: Papillary renal cell carcinoma type 1. Review status: no classification provided. Collection method: in vitro. Allele origin: not applicable. Functional consequence: retained intron. Not counted in ClinVar's aggregate classification.

Dr. Peter K. Rogan Lab, Western University
No classification provided (evidence only). Condition: Familial cancer of breast. Review status: no classification provided. Collection method: in vitro. Allele origin: not applicable. Functional consequence: skipped exon, retained intron. Not counted in ClinVar's aggregate classification.

Dr. Peter K. Rogan Lab, Western University
No classification provided (evidence only). Condition: Familial cancer of breast. Review status: no classification provided. Collection method: in vitro. Allele origin: not applicable. Functional consequence: skipped exon. Not counted in ClinVar's aggregate classification.

Dr. Peter K. Rogan Lab, Western University
No classification provided (evidence only). Condition: Familial cancer of breast. Review status: no classification provided. Collection method: in vitro. Allele origin: not applicable. Functional consequence: skipped exon. Not counted in ClinVar's aggregate classification.

Dr. Peter K. Rogan Lab, Western University
No classification provided (evidence only). Condition: Colon adenocarcinoma. Review status: no classification provided. Collection method: in vitro. Allele origin: not applicable. Functional consequence: skipped exon. Not counted in ClinVar's aggregate classification.

Dr. Peter K. Rogan Lab, Western University
No classification provided (evidence only). Condition: Thyroid cancer, nonmedullary, 1. Review status: no classification provided. Collection method: in vitro. Allele origin: not applicable. Functional consequence: skipped exon, retained intron. Not counted in ClinVar's aggregate classification.

Dr. Peter K. Rogan Lab, Western University
No classification provided (evidence only). Condition: Thyroid cancer, nonmedullary, 1. Review status: no classification provided. Collection method: in vitro. Allele origin: not applicable. Functional consequence: skipped exon. Not counted in ClinVar's aggregate classification.

Dr. Peter K. Rogan Lab, Western University
No classification provided (evidence only). Condition: Thyroid cancer, nonmedullary, 1. Review status: no classification provided. Collection method: in vitro. Allele origin: not applicable. Functional consequence: skipped exon. Not counted in ClinVar's aggregate classification.

Dr. Peter K. Rogan Lab, Western University
No classification provided (evidence only). Condition: Thyroid cancer, nonmedullary, 1. Review status: no classification provided. Collection method: in vitro. Allele origin: not applicable. Functional consequence: skipped exon. Not counted in ClinVar's aggregate classification.

Dr. Peter K. Rogan Lab, Western University
No classification provided (evidence only). Condition: Uterine corpus endometrial carcinoma. Review status: no classification provided. Collection method: in vitro. Allele origin: not applicable. Functional consequence: skipped exon. Not counted in ClinVar's aggregate classification.

Dr. Peter K. Rogan Lab, Western University
No classification provided (evidence only). Condition: Uterine corpus endometrial carcinoma. Review status: no classification provided. Collection method: in vitro. Allele origin: not applicable. Functional consequence: skipped exon. Not counted in ClinVar's aggregate classification.

Dr. Peter K. Rogan Lab, Western University
No classification provided (evidence only). Condition: Cervical cancer. Review status: no classification provided. Collection method: in vitro. Allele origin: not applicable. Functional consequence: skipped exon, retained intron. Not counted in ClinVar's aggregate classification.

Dr. Peter K. Rogan Lab, Western University
No classification provided (evidence only). Condition: Cervical cancer. Review status: no classification provided. Collection method: in vitro. Allele origin: not applicable. Functional consequence: skipped exon. Not counted in ClinVar's aggregate classification.

Dr. Peter K. Rogan Lab, Western University
No classification provided (evidence only). Condition: Cervical cancer. Review status: no classification provided. Collection method: in vitro. Allele origin: not applicable. Functional consequence: skipped exon. Not counted in ClinVar's aggregate classification.

Dr. Peter K. Rogan Lab, Western University
No classification provided (evidence only). Condition: Cervical cancer. Review status: no classification provided. Collection method: in vitro. Allele origin: not applicable. Functional consequence: skipped exon. Not counted in ClinVar's aggregate classification.

Dr. Peter K. Rogan Lab, Western University
No classification provided (evidence only). Condition: Cervical cancer. Review status: no classification provided. Collection method: in vitro. Allele origin: not applicable. Functional consequence: skipped exon. Not counted in ClinVar's aggregate classification.

Dr. Peter K. Rogan Lab, Western University
No classification provided (evidence only). Condition: Malignant lymphoma, large B-cell, diffuse. Review status: no classification provided. Collection method: in vitro. Allele origin: not applicable. Functional consequence: skipped exon, retained intron. Not counted in ClinVar's aggregate classification.

Dr. Peter K. Rogan Lab, Western University
No classification provided (evidence only). Condition: Malignant lymphoma, large B-cell, diffuse. Review status: no classification provided. Collection method: in vitro. Allele origin: not applicable. Functional consequence: skipped exon. Not counted in ClinVar's aggregate classification.

Dr. Peter K. Rogan Lab, Western University
No classification provided (evidence only). Condition: Malignant lymphoma, large B-cell, diffuse. Review status: no classification provided. Collection method: in vitro. Allele origin: not applicable. Functional consequence: skipped exon, retained intron. Not counted in ClinVar's aggregate classification.

Dr. Peter K. Rogan Lab, Western University
No classification provided (evidence only). Condition: Hepatocellular carcinoma. Review status: no classification provided. Collection method: in vitro. Allele origin: not applicable. Functional consequence: skipped exon. Not counted in ClinVar's aggregate classification.

Dr. Peter K. Rogan Lab, Western University
No classification provided (evidence only). Condition: Hepatocellular carcinoma. Review status: no classification provided. Collection method: in vitro. Allele origin: not applicable. Functional consequence: skipped exon. Not counted in ClinVar's aggregate classification.

Dr. Peter K. Rogan Lab, Western University
No classification provided (evidence only). Condition: Hepatocellular carcinoma. Review status: no classification provided. Collection method: in vitro. Allele origin: not applicable. Functional consequence: skipped exon. Not counted in ClinVar's aggregate classification.

Dr. Peter K. Rogan Lab, Western University
No classification provided (evidence only). Condition: Hepatocellular carcinoma. Review status: no classification provided. Collection method: in vitro. Allele origin: not applicable. Functional consequence: skipped exon. Not counted in ClinVar's aggregate classification.

Dr. Peter K. Rogan Lab, Western University
No classification provided (evidence only). Condition: Hepatocellular carcinoma. Review status: no classification provided. Collection method: in vitro. Allele origin: not applicable. Functional consequence: skipped exon, retained intron. Not counted in ClinVar's aggregate classification.